The following is an entry in ClinVar:

ClinVar aggregate classification (germline): Uncertain significance (1 of 4 stars; one submission).

Conditions:
Familial adenomatous polyposis 1 (FAP1). Also called: FAMILIAL ADENOMATOUS POLYPOSIS 1, ATTENUATED; POLYPOSIS, ADENOMATOUS INTESTINAL. Identifiers: MedGen C2713442, MONDO:0021056, OMIM 175100. Disease mechanism: loss of function.

Submission:

Labcorp Genetics (formerly Invitae), Labcorp
Classification: Uncertain significance for Familial adenomatous polyposis 1. Last evaluated: 2023-09-25. Review status: criteria provided, single submitter. Criteria: Invitae Variant Classification Sherloc (09022015). Collection method: clinical testing. Allele origin: germline.
Comment: In summary, the available evidence is currently insufficient to determine the role of this variant in disease. Therefore, it has been classified as a Variant of Uncertain Significance. Advanced modeling of protein sequence and biophysical properties (such as structural, functional, and spatial information, amino acid conservation, physicochemical variation, residue mobility, and thermodynamic stability) performed at Invitae indicates that this missense variant is not expected to disrupt APC protein function. ClinVar contains an entry for this variant (Variation ID: 641877). This variant has not been reported in the literature in individuals affected with APC-related conditions. This variant is not present in population databases (gnomAD no frequency). This sequence change replaces methionine, which is neutral and non-polar, with leucine, which is neutral and non-polar, at codon 466 of the APC protein (p.Met466Leu).

NM_000038.6(APC):c.1396A>T (p.Met466Leu)

Gene: APC (APC regulator of Wnt signaling pathway; plus strand). Cytogenetic location: 5q22.2.
Variant type: single nucleotide variant.
Coding change: c.1396A>T on transcript NM_000038.6 (MANE Select); coding-DNA position 1396, A replaced by T.
Protein change: p.Met466Leu; replaces methionine 466 with leucine.
Molecular consequence: missense variant.
Genome position (GRCh38, 1-based): chr5:112,821,979, A>T. VCF-style: chr5-112821979-A-T. GRCh37 (hg19) VCF-style: chr5-112157676-A-T.
Other names: c.1396A>T, p.Met466Leu (NM_001127510.3, NM_001354895.2, NM_001354896.2); c.1342A>T, p.Met448Leu (NM_001127511.3); c.1426A>T, p.Met476Leu (NM_001354897.2); c.1321A>T, p.Met441Leu (NM_001354898.2); c.1312A>T, p.Met438Leu (NM_001354899.2); c.1219A>T, p.Met407Leu (NM_001354900.2, NM_001354901.2); c.1123A>T, p.Met375Leu (NM_001354902.2); c.1093A>T, p.Met365Leu (NM_001354903.2); and 3 more; short protein forms M183L, M441L, M448L, M466L, M306L, M340L, M476L, M365L.
Identifiers: ClinVar variation 641877 (VCV000641877.10), dbSNP rs781364007, ClinGen allele CA16024364.